The following is an entry in ClinVar:

ClinVar aggregate classification (germline): Likely benign (1 of 4 stars; one submission).

Conditions:
SOX11-related disorder. Also called: SOX11-related condition.

Submission:

PreventionGenetics, part of Exact Sciences
Classification: Likely benign for SOX11-related condition. Last evaluated: 2025-12-03. Review status: criteria provided, single submitter. Criteria: ACMG Guidelines, 2015. Collection method: clinical testing. Allele origin: germline.
Comment: This variant is classified as likely benign based on ACMG/AMP sequence variant interpretation guidelines (Richards et al. 2015 PMID: 25741868, with internal and published modifications).

NM_003108.4(SOX11):c.987C>A (p.Pro329=)

Gene: SOX11 (SRY-box transcription factor 11; plus strand). Cytogenetic location: 2p25.2.
Variant type: single nucleotide variant.
Coding change: c.987C>A on transcript NM_003108.4 (MANE Select); coding-DNA position 987, C replaced by A.
Protein change: p.Pro329=; no amino-acid change (proline 329 retained).
Molecular consequence: synonymous variant.
Genome position (GRCh38, 1-based): chr2:5,693,708, C>A. VCF-style: chr2-5693708-C-A. GRCh37 (hg19) VCF-style: chr2-5833840-C-A.
Identifiers: ClinVar variation 4996978 (VCV004996978.1).
Genomic context (GRCh38, chr2:5,693,708, plus strand): 5'-CCGCCTCTACTACAGCTTCAAGAACATCACCAAGCAGCACCCGCCGCCGCTCGCGCAGCC[C>A]GCGCTGTCGCCCGCGTCCTCGCGCTCGGTGTCCACCTCCTCGTCCAGCAGCAGCGGCAGC-3'
Protein context (NP_003099.1, residues 319-339): TKQHPPPLAQ[Pro329=]ALSPASSRSV